The following is an entry in ClinVar:

ClinVar aggregate classification (germline): Uncertain significance (1 of 4 stars; one submission).

Allele frequency attached by ClinVar (database versions not stated): TOPMed 0.00002.
gnomAD v4.1: 43 of 1,614,042 alleles (0.0027%); highest among the groups gnomAD compares: Non-Finnish European, 0.0031%; no homozygotes.

Submission:

Labcorp Genetics (formerly Invitae), Labcorp
Classification: Uncertain significance. Last evaluated: 2024-10-29. Review status: criteria provided, single submitter. Criteria: Invitae Variant Classification Sherloc (09022015). Collection method: clinical testing. Allele origin: germline.
Comment: This sequence change replaces arginine, which is basic and polar, with tryptophan, which is neutral and slightly polar, at codon 133 of the PARS2 protein (p.Arg133Trp). This variant is present in population databases (rs749950887, gnomAD 0.002%). This variant has not been reported in the literature in individuals affected with PARS2-related conditions. ClinVar contains an entry for this variant (Variation ID: 1898261). An algorithm developed to predict the effect of missense changes on protein structure and function (PolyPhen-2) suggests that this variant is likely to be disruptive. In summary, the available evidence is currently insufficient to determine the role of this variant in disease. Therefore, it has been classified as a Variant of Uncertain Significance.

NM_152268.4(PARS2):c.397C>T (p.Arg133Trp)

Gene: PARS2 (prolyl-tRNA synthetase 2, mitochondrial; minus strand). Cytogenetic location: 1p32.3.
Variant type: single nucleotide variant.
Coding change: c.397C>T on transcript NM_152268.4 (MANE Select); coding-DNA position 397, C replaced by T.
Protein change: p.Arg133Trp; replaces arginine 133 with tryptophan.
Molecular consequence: missense variant.
Genome position (GRCh38, 1-based): chr1:54,758,765, G>A on the plus strand (C>T on the coding strand, the complement: PARS2 is on the minus strand). VCF-style: chr1-54758765-G-A. GRCh37 (hg19) VCF-style: chr1-55224438-G-A.
Other names: short protein forms R133W.
Identifiers: ClinVar variation 1898261 (VCV001898261.4), dbSNP rs749950887, ClinGen allele CA869489.